The following is an entry in ClinVar:

ClinVar aggregate classification (germline): Benign/Likely benign. Review status: criteria provided, multiple submitters, no conflicts (2 of 4 stars). 13 submissions from 13 submitters: Benign (6); Likely benign (4). 3 of the submissions do not count toward it. Last evaluated 2026-02-03.

Conditions:
Cardiovascular phenotype. Identifiers: MedGen CN230736.
DK1-congenital disorder of glycosylation. Also called: CONGENITAL DISORDER OF GLYCOSYLATION, TYPE Im; CDG Im; DK1 DEFICIENCY; DOLICHOL KINASE DEFICIENCY; DK1-CDG; DOLK-congenital disorder of glycosylation. Identifiers: Orphanet 91131, MedGen C1835849, MONDO:0012556, OMIM 610768.

Allele frequency attached by ClinVar (database versions not stated): 1000 Genomes Project 30x 0.00250; 1000 Genomes Project 0.00260; TOPMed 0.00467; gnomAD 0.00554 and 0.00573; gnomAD exomes 0.00653 and 0.00749; ESP Exome Variant Server 0.00673; ExAC 0.00807.

Submissions (13):

Labcorp Genetics (formerly Invitae), Labcorp
Classification: Benign for DK1-congenital disorder of glycosylation. Last evaluated: 2026-02-03. Review status: criteria provided, single submitter. Criteria: Invitae Variant Classification Sherloc (09022015). Collection method: clinical testing. Allele origin: germline.

CeGaT Center for Human Genetics Tuebingen
Classification: Likely benign. Last evaluated: 2025-12-01. Review status: criteria provided, single submitter. Criteria: CeGaT Center For Human Genetics Tuebingen Variant Classification Criteria Version 2. Collection method: clinical testing. Allele origin: germline. Affected: yes. Observed: 18 variant alleles.
Comment: DOLK: BS2

Molecular Diagnostic Laboratory for Inherited Cardiovascular Disease, Montreal Heart Institute
Classification: Likely benign. Last evaluated: 2025-04-09. Review status: criteria provided, single submitter. Criteria: ACMG Guidelines, 2015. Collection method: clinical testing. Allele origin: germline. Affected: no.

ARUP Laboratories, Molecular Genetics and Genomics, ARUP Laboratories
Classification: Benign for DK1-congenital disorder of glycosylation. Last evaluated: 2025-04-07. Review status: criteria provided, single submitter. Criteria: ARUP Molecular Germline Variant Investigation Process 2024. Collection method: clinical testing. Allele origin: germline.

Women's Health and Genetics/Laboratory Corporation of America, LabCorp
Classification: Benign. Last evaluated: 2023-07-31. Review status: criteria provided, single submitter. Criteria: LabCorp Variant Classification Summary - May 2015. Collection method: clinical testing. Allele origin: germline.
Comment: Variant summary: The DOLK c.1dupA variant allele was found at a frequency of 0.0065 in 247242 control chromosomes, predominantly at a frequency of 0.011 within the Non-Finnish European subpopulation in the gnomAD database, including 9 homozygotes. The observed variant frequency within Non-Finnish European control individuals in the gnomAD database is approximately 1.6 fold of the estimated maximal expected allele frequency for a pathogenic variant in DOLK causing Cardiomyopathy phenotype (0.0071), strongly suggesting that the variant is a benign polymorphism found primarily in populations of Non-Finnish European origin. To our knowledge, no occurrence of c.1dupA in individuals affected with Cardiomyopathy and no experimental evidence demonstrating its impact on protein function have been reported. Five submitters have cited clinical-significance assessments for this variant to ClinVar after 2014. All submitters classified the variant as benign/likely benign. Based on the evidence outlined above, the variant was classified as benign.

Mayo Clinic Laboratories, Mayo Clinic
Classification: Benign. Last evaluated: 2023-05-11. Review status: criteria provided, single submitter. Criteria: ACMG Guidelines, 2015. Collection method: clinical testing. Allele origin: germline. Observed: 17 variant alleles.
Comment: BS1, BS2

Ambry Genetics
Classification: Likely benign for Cardiovascular phenotype. Last evaluated: 2018-12-27. Review status: criteria provided, single submitter. Criteria: Ambry Variant Classification Scheme 2023. Collection method: clinical testing. Allele origin: germline.

Center for Pediatric Genomic Medicine, Children's Mercy Hospital and Clinics
Classification: Likely benign. Last evaluated: 2016-08-30. Review status: criteria provided, single submitter. Criteria: ACMG Guidelines, 2015. Collection method: clinical testing. Allele origin: germline.
ClinVar note: Converted during submission from Likely Benign to Likely benign.

GeneDx
Classification: Benign. Last evaluated: 2016-04-08. Review status: criteria provided, single submitter. Criteria: GeneDx Variant Classification (06012015). Collection method: clinical testing. Allele origin: germline. Affected: yes.
Comment: This variant is considered likely benign or benign based on one or more of the following criteria: it is a conservative change, it occurs at a poorly conserved position in the protein, it is predicted to be benign by multiple in silico algorithms, and/or has population frequency not consistent with disease.

Laboratory for Molecular Medicine, Mass General Brigham Personalized Medicine
Classification: Benign. Last evaluated: 2015-04-24. Review status: criteria provided, single submitter. Criteria: LMM Criteria. Collection method: clinical testing. Allele origin: germline. Observed: 5 variant alleles.
Comment: c.1_2insA in exon 1 of DOLK: This variant is not expected to have clinical signi ficance because it does not alter the start codon and has been identified in 1.3 % (823/63350) of European chromosomes by the Exome Aggregation Consortium (ExAC; dbSNP rs531969689).

Eurofins Ntd Llc (ga)
Classification: Benign for AllHighlyPenetrant. Last evaluated: 2014-02-28. Review status: no assertion criteria provided. Collection method: clinical testing. Allele origin: germline. Observed: 2 variant alleles, 2 heterozygotes. Not counted in ClinVar's aggregate classification.

Genome Diagnostics Laboratory, University Medical Center Utrecht
Classification: Likely benign. Review status: no assertion criteria provided. Collection method: clinical testing. Allele origin: germline. Affected: yes. Study: VKGL Data-share Consensus. Not counted in ClinVar's aggregate classification.

Joint Genome Diagnostic Labs from Nijmegen and Maastricht, Radboudumc and MUMC+
Classification: Benign. Review status: no assertion criteria provided. Collection method: clinical testing. Allele origin: germline. Affected: yes. Study: VKGL Data-share Consensus. Not counted in ClinVar's aggregate classification.

NM_014908.4(DOLK):c.1dup (p.Met1fs)

Gene: DOLK (dolichol kinase; minus strand). Cytogenetic location: 9q34.11.
Variant type: Duplication.
Coding change: c.1dup on transcript NM_014908.4 (MANE Select); coding-DNA position 1, one base duplicated (A; older notation c.1dupA).
Protein change: p.Met1fs; shifts the reading frame from methionine 1.
Genome position (GRCh38, 1-based): chr9:128,947,303, T duplicated on the plus strand (A on the coding strand, the reverse complement: DOLK is on the minus strand). VCF-style (leftmost placement, unchanged base first): chr9-128947302-A-AT. GRCh37 (hg19) VCF-style: chr9-131709581-A-AT.
Other names: p.?; p.Met1?; c.1dupA (NM_014908.3); short protein forms M1fs.
Identifiers: ClinVar variation 167006 (VCV000167006.54), dbSNP rs531969689, ClinGen allele CA179980.